The following is an entry in ClinVar:

ClinVar aggregate classification (germline): Uncertain significance. Review status: criteria provided, multiple submitters, no conflicts (2 of 4 stars). 2 submissions from 2 submitters: Uncertain significance (2). Last evaluated 2025-12-19.

Allele frequency attached by ClinVar (database versions not stated): gnomAD 0.00005 and 0.00006; TOPMed 0.00006; gnomAD exomes 0.00008 and 0.00011; ExAC 0.00010.
gnomAD v4.1: 166 of 1,609,378 alleles (0.01%); highest among the groups gnomAD compares: Middle Eastern, 0.049%; no homozygotes.

Submissions (2):

Labcorp Genetics (formerly Invitae), Labcorp
Classification: Uncertain significance. Last evaluated: 2025-12-19. Review status: criteria provided, single submitter. Criteria: Invitae Variant Classification Sherloc (09022015). Collection method: clinical testing. Allele origin: germline.
Comment: This sequence change replaces arginine, which is basic and polar, with tryptophan, which is neutral and slightly polar, at codon 646 of the RNF31 protein (p.Arg646Trp). This variant is present in population databases (rs201014170, gnomAD 0.01%). This variant has not been reported in the literature in individuals affected with RNF31-related conditions. ClinVar contains an entry for this variant (Variation ID: 1443228). An algorithm developed to predict the effect of missense changes on protein structure and function (PolyPhen-2) suggests that this variant is likely to be disruptive. In summary, the available evidence is currently insufficient to determine the role of this variant in disease. Therefore, it has been classified as a Variant of Uncertain Significance.

Blueprint Genetics
Classification: Uncertain significance. Last evaluated: 2024-09-10. Review status: criteria provided, single submitter. Criteria: ACMG Guidelines, 2015. Collection method: clinical testing. Allele origin: germline.

NM_017999.5(RNF31):c.1936C>T (p.Arg646Trp)

Gene: RNF31 (ring finger protein 31; plus strand). Cytogenetic location: 14q12.
Variant type: single nucleotide variant.
Coding change: c.1936C>T on transcript NM_017999.5 (MANE Select); coding-DNA position 1936, C replaced by T.
Protein change: p.Arg646Trp; replaces arginine 646 with tryptophan.
Molecular consequence: missense variant.
Genome position (GRCh38, 1-based): chr14:24,151,798, C>T. VCF-style: chr14-24151798-C-T. GRCh37 (hg19) VCF-style: chr14-24621007-C-T.
Other names: c.1483C>T, p.Arg495Trp (NM_001310332.2); short protein forms R495W, R646W.
Identifiers: ClinVar variation 1443228 (VCV001443228.7), dbSNP rs201014170, ClinGen allele CA7125941.